The following is an entry in ClinVar:

NM_025103.4(IFT74):c.163A>T (p.Ile55Leu)

Gene: IFT74 (intraflagellar transport 74; plus strand). Cytogenetic location: 9p21.2.
Variant type: single nucleotide variant.
Coding change: c.163A>T on transcript NM_025103.4 (MANE Select); coding-DNA position 163, A replaced by T.
Protein change: p.Ile55Leu; replaces isoleucine 55 with leucine.
Molecular consequence: missense variant.
Genome position (GRCh38, 1-based): chr9:26,978,170, A>T. VCF-style: chr9-26978170-A-T. GRCh37 (hg19) VCF-style: chr9-26978168-A-T.
Other names: c.163A>T (NM_025103.2); c.163A>T, p.Ile55Leu (NM_001099222.3, NM_001099223.3, NM_001099224.3 and 1 more transcripts); short protein forms I55L.
Identifiers: ClinVar variation 684551 (VCV000684551.26), dbSNP rs62542664, ClinGen allele CA5014837.

ClinVar aggregate classification (germline): Conflicting classifications of pathogenicity. Review status: criteria provided, conflicting classifications (1 of 4 stars). 7 submissions from 7 submitters: Uncertain significance (1); Likely benign (3). 3 of the submissions do not count toward it. Last evaluated 2026-07-01.

Conditions:
Inborn genetic diseases. Identifiers: MedGen C0950123, MeSH D030342.
IFT74-related disorder. Also called: IFT74-Related Disorders; IFT74-related condition.
Bardet-Biedl syndrome 22 (BBS22). Identifiers: MedGen C5561936, MONDO:0014926, OMIM 617119.

Allele frequency attached by ClinVar (database versions not stated): 1000 Genomes Project 30x 0.00062; 1000 Genomes Project 0.00080; gnomAD 0.00104 and 0.00106; TOPMed 0.00105; ExAC 0.00106; ESP Exome Variant Server 0.00158.
gnomAD v4.1: 2,639 of 1,612,704 alleles (0.16%); highest among the groups gnomAD compares: Non-Finnish European, 0.2%; 2 homozygotes.

Submissions (7):

CeGaT Center for Human Genetics Tuebingen
Classification: Likely benign. Last evaluated: 2026-07-01. Review status: criteria provided, single submitter. Criteria: CeGaT Center For Human Genetics Tuebingen Variant Classification Criteria Version 2. Collection method: clinical testing. Allele origin: germline. Affected: yes. Observed: 4 variant alleles.
Comment: IFT74: BP4, BS1

Labcorp Genetics (formerly Invitae), Labcorp
Classification: Likely benign. Last evaluated: 2026-01-19. Review status: criteria provided, single submitter. Criteria: Invitae Variant Classification Sherloc (09022015). Collection method: clinical testing. Allele origin: germline.

Ambry Genetics
Classification: Likely benign for Inborn genetic diseases. Last evaluated: 2022-10-19. Review status: criteria provided, single submitter. Criteria: Ambry Variant Classification Scheme 2023. Collection method: clinical testing. Allele origin: germline.

Genetic Services Laboratory, University of Chicago
Classification: Uncertain significance. Last evaluated: 2019-07-22. Review status: criteria provided, single submitter. Criteria: ACMG Guidelines, 2015. Collection method: clinical testing. Allele origin: germline. Affected: no.

PreventionGenetics, part of Exact Sciences
Classification: Likely benign for IFT74-related condition. Last evaluated: 2022-01-28. Review status: no assertion criteria provided. Collection method: clinical testing. Allele origin: germline. Not counted in ClinVar's aggregate classification.
Comment: This variant is classified as likely benign based on ACMG/AMP sequence variant interpretation guidelines (Richards et al. 2015 PMID: 25741868, with internal and published modifications).

Clinical Genetics DNA and cytogenetics Diagnostics Lab, Erasmus MC, Erasmus Medical Center
Classification: Likely benign. Review status: no assertion criteria provided. Collection method: clinical testing. Allele origin: germline. Affected: yes. Study: VKGL Data-share Consensus. Not counted in ClinVar's aggregate classification.

Genome Diagnostics Laboratory, Amsterdam University Medical Center
Classification: Benign. Review status: no assertion criteria provided. Collection method: clinical testing. Allele origin: germline. Affected: yes. Study: VKGL Data-share Consensus. Not counted in ClinVar's aggregate classification.